The following is an entry in ClinVar:

NM_000051.4(ATM):c.901G>T (p.Gly301Cys)

Gene: ATM (ATM serine/threonine kinase; plus strand). Cytogenetic location: 11q22.3.
Variant type: single nucleotide variant.
Coding change: c.901G>T on transcript NM_000051.4 (MANE Select); coding-DNA position 901, G replaced by T.
Protein change: p.Gly301Cys; replaces glycine 301 with cysteine.
Molecular consequence: missense variant.
Genome position (GRCh38, 1-based): chr11:108,245,026, G>T. VCF-style: chr11-108245026-G-T. GRCh37 (hg19) VCF-style: chr11-108115753-G-T.
Other names: c.901G>T, p.Gly301Cys (NM_001351834.2); short protein forms G301C.
Identifiers: ClinVar variation 4616243 (VCV004616243.1).

ClinVar aggregate classification (germline): Uncertain significance (1 of 4 stars; one submission).

Conditions:
Hereditary cancer-predisposing syndrome. Also called: Neoplastic Syndromes, Hereditary; Tumor predisposition; Hereditary Cancer Syndrome; Hereditary neoplastic syndrome. Identifiers: Orphanet 140162, MedGen C0027672, MeSH D009386, MONDO:0015356.

gnomAD v4.1: 1 of 1,597,882 alleles (0.000063%); highest among the groups gnomAD compares: Non-Finnish European, 0.000085%; no homozygotes.

Submission:

Ambry Genetics
Classification: Uncertain significance for Hereditary cancer-predisposing syndrome. Last evaluated: 2025-09-26. Review status: criteria provided, single submitter. Criteria: Ambry Variant Classification Scheme 2023. Collection method: clinical testing. Allele origin: germline.
Comment: The p.G301C variant (also known as c.901G>T), located in coding exon 6 of the ATM gene, results from a G to T substitution at nucleotide position 901. The amino acid change results in glycine to cysteine at codon 301, an amino acid with highly dissimilar properties. However, this change occurs in the last base pair of coding exon 6, which makes it likely to have some effect on normal mRNA splicing. This nucleotide position is highly conserved in available vertebrate species. This amino acid position is not well conserved in available vertebrate species. In silico splice site analysis predicts that this alteration will weaken the native splice donor site. In addition, as a missense substitution this is predicted to be inconclusive by in silico analysis. Based on the available evidence, the clinical significance of this variant remains unclear.